The following is an entry in ClinVar:

ClinVar aggregate classification (germline): Benign. Review status: criteria provided, multiple submitters, no conflicts (2 of 4 stars). 3 submissions from 3 submitters: Benign (3). Last evaluated 2021-07-14.

Conditions:
Catecholaminergic polymorphic ventricular tachycardia 2. Also called: CASQ2-Related Catecholaminergic Polymorphic Ventricular Tachycardia; VENTRICULAR TACHYCARDIA, STRESS-INDUCED POLYMORPHIC 2. Identifiers: Orphanet 3286, MedGen C2677794, MONDO:0012762, OMIM 611938.

Allele frequency attached by ClinVar (database versions not stated): 1000 Genomes Project 30x 0.64085; 1000 Genomes Project 0.64357; TOPMed 0.69458; gnomAD 0.70440 and 0.70854; gnomAD exomes 0.83483.
gnomAD v4.1: 818,688 of 1,004,416 alleles (82%); highest among the groups gnomAD compares: Non-Finnish European, 88%; 342,901 homozygotes.

Submissions (3):

Genome-Nilou Lab
Classification: Benign for Catecholaminergic polymorphic ventricular tachycardia 2. Last evaluated: 2021-07-14. Review status: criteria provided, single submitter. Criteria: ACMG Guidelines, 2015. Collection method: clinical testing. Allele origin: germline. Affected: no.

GeneDx
Classification: Benign. Last evaluated: 2018-06-18. Review status: criteria provided, single submitter. Criteria: GeneDx Variant Classification (06012015). Collection method: clinical testing. Allele origin: germline. Affected: yes.
Comment: This variant is considered likely benign or benign based on one or more of the following criteria: it is a conservative change, it occurs at a poorly conserved position in the protein, it is predicted to be benign by multiple in silico algorithms, and/or has population frequency not consistent with disease.

Breakthrough Genomics
Classification: Benign. Review status: criteria provided, single submitter. Criteria: ACMG Guidelines, 2015. Collection method: not provided. Allele origin: germline. Inheritance: Autosomal recessive inheritance. Affected: yes.

NM_001232.4(CASQ2):c.320-77C>T

Gene: CASQ2 (calsequestrin 2; minus strand). Cytogenetic location: 1p13.1.
Variant type: single nucleotide variant.
Coding change: c.320-77C>T on transcript NM_001232.4 (MANE Select); 77 bases into the intron before coding-DNA position 320, C replaced by T.
Molecular consequence: intron variant.
Genome position (GRCh38, 1-based): chr1:115,740,905, G>A on the plus strand (C>T on the coding strand, the complement: CASQ2 is on the minus strand). VCF-style: chr1-115740905-G-A. GRCh37 (hg19) VCF-style: chr1-116283526-G-A.
Identifiers: ClinVar variation 671741 (VCV000671741.5), dbSNP rs7538337, ClinGen allele CA16065104.